The following is an entry in ClinVar:

ClinVar aggregate classification (germline): Uncertain significance. Review status: criteria provided, multiple submitters, no conflicts (2 of 4 stars). 2 submissions from 2 submitters: Uncertain significance (2). Last evaluated 2023-09-12.

Conditions:
KBG syndrome (KBGS). Also called: ANKRD11-Related KBG Syndrome. Identifiers: Orphanet 2332, MedGen C0220687, MONDO:0007846, OMIM 148050.

Allele frequency attached by ClinVar (database versions not stated): TOPMed below 0.00001.
gnomAD v4.1: 20 of 1,614,228 alleles (0.0012%); highest among the groups gnomAD compares: Middle Eastern, 0.016%; no homozygotes.

Submissions (2):

ARUP Laboratories, Molecular Genetics and Genomics, ARUP Laboratories
Classification: Uncertain significance for KBG syndrome. Last evaluated: 2023-09-12. Review status: criteria provided, single submitter. Criteria: ARUP Molecular Germline Variant Investigation Process 2024. Collection method: clinical testing. Allele origin: germline.
Comment: Due to limited information, including a lack of clinical and/or functional data and an uninformative population frequency, the clinical significance of this variant is uncertain at this time.

Pittsburgh Clinical Genomics Laboratory, University of Pittsburgh Medical Center
Classification: Uncertain significance for KBG syndrome. Last evaluated: 2022-02-25. Review status: criteria provided, single submitter. Criteria: ACMG Guidelines, 2015. Collection method: clinical testing. Allele origin: germline. Inheritance: Autosomal dominant inheritance. Affected: yes.
Comment: This sequence variant is a single nucleotide substitution (A>C) which results in an aspartic acid to alanine amino acid change at residue 1417 in the ANKRD11 protein. This is a novel variant which has not been reported in clinical genetics databases or observed in the medical literature in individuals with ANKRD11-related disease, to our knowledge. This variant is absent from the gnomAD control population dataset (0/~251400 alleles). Multiple bioinformatic tools are inconsistent in their predictions if this variant is likely to be damaging or tolerated. The aspartic acid is moderately conserved at this protein position in mammals. Functiol studies assessing the effect of this variant on protein structure or activity have not been performed, to our knowledge. At this time, there is insufficient evidence to determine if this variant is pathogenic or benign. Therefore, we consider it to be a variant of uncertain significance. ACMG Criteria: BP1, PM2, PP3

NM_013275.6(ANKRD11):c.4250A>C (p.Asp1417Ala)

Gene: ANKRD11 (ankyrin repeat domain 11; minus strand). Cytogenetic location: 16q24.3.
Variant type: single nucleotide variant.
Coding change: c.4250A>C on transcript NM_013275.6 (MANE Select); coding-DNA position 4250, A replaced by C.
Protein change: p.Asp1417Ala; replaces aspartic acid 1417 with alanine.
Molecular consequence: missense variant.
Genome position (GRCh38, 1-based): chr16:89,282,292, T>G on the plus strand (A>C on the coding strand, the complement: ANKRD11 is on the minus strand). VCF-style: chr16-89282292-T-G. GRCh37 (hg19) VCF-style: chr16-89348700-T-G.
Other names: c.4250A>C, p.Asp1417Ala (NM_001256182.2, NM_001256183.2); short protein forms D1417A.
Identifiers: ClinVar variation 2921061 (VCV002921061.2), dbSNP rs2034321898, ClinGen allele CA397157987.